The following is an entry in ClinVar:

ClinVar aggregate classification (germline): Pathogenic. Review status: criteria provided, multiple submitters, no conflicts (2 of 4 stars). 6 submissions from 6 submitters: Pathogenic (5). 1 of the submissions does not count toward it. Last evaluated 2025-10-19.

Conditions:
MYH7-related disorder. Also called: MYH7-related condition; MYH7-related disease; MYH7-related disorders.
Cardiovascular phenotype. Identifiers: MedGen CN230736.
Hypertrophic cardiomyopathy. Also called: HYPERTROPHIC MYOCARDIOPATHY. Identifiers: Orphanet 217569, MedGen C0007194, MeSH D002312, MONDO:0005045, HP:0001639.

Submissions (6):

Labcorp Genetics (formerly Invitae), Labcorp
Classification: Pathogenic for Hypertrophic cardiomyopathy. Last evaluated: 2025-10-19. Review status: criteria provided, single submitter. Criteria: Invitae Variant Classification Sherloc (09022015). Collection method: clinical testing. Allele origin: germline.
Comment: This sequence change replaces glutamic acid, which is acidic and polar, with lysine, which is basic and polar, at codon 930 of the MYH7 protein (p.Glu930Lys). This variant is not present in population databases (gnomAD no frequency). This missense change has been observed in individual(s) with hypertrophic cardiomyopathy (PMID: 9154300, 12975413, 19134269, 20800588, 27532257). It has also been observed to segregate with disease in related individuals. ClinVar contains an entry for this variant (Variation ID: 42933). Invitae Evidence Modeling of protein sequence and biophysical properties (such as structural, functional, and spatial information, amino acid conservation, physicochemical variation, residue mobility, and thermodynamic stability) indicates that this missense variant is expected to disrupt MYH7 protein function with a positive predictive value of 95%. This variant is found within a region of MYH7 between codons 181 and 937 that contains the majority of the myosin head domain. Missense variants in this region have been shown to be significantly overrepresented in individuals with hypertrophic cardiomyopathy (PMID: 27532257). For these reasons, this variant has been classified as Pathogenic.

Blueprint Genetics
Classification: Pathogenic for MYH7-related disorders. Last evaluated: 2023-11-09. Review status: criteria provided, single submitter. Criteria: ACMG Guidelines, 2015. Collection method: clinical testing. Allele origin: germline. Affected: yes. Observed: 1 variant allele.

Ambry Genetics
Classification: Pathogenic for Cardiovascular phenotype. Last evaluated: 2023-01-10. Review status: criteria provided, single submitter. Criteria: Ambry Variant Classification Scheme 2023. Collection method: clinical testing. Allele origin: germline.
Comment: The p.E930K pathogenic mutation (also known as c.2788G>A), located in coding exon 21 of the MYH7 gene, results from a G to A substitution at nucleotide position 2788. The glutamic acid at codon 930 is replaced by lysine, an amino acid with similar properties. This alteration is located in the myosin head domain, which contains a statistically significant clustering of pathogenic missense variants (Homburger JR et al. Proc Natl Acad Sci U S A, 2016 06;113:6701-6; Walsh R et al. Genet Med, 2017 02;19:192-203; Ambry internal data). This alteration has been identified in one Chinese family with hypertrophic cardiomyopathy (HCM) and sudden cardiac death, segregating with disease in three affected individuals diagnosed with HCM (Song L et al. Clin. Chim. Acta. 2005;351:209-216). This alteration has also been reported in additional probands with HCM (Millat G etal. Eur J Med Genet 2010;53:261-267; Woo A etal. Heart 2003;89:1179-1185; Weissler-Snir A et al. Circ Cardiovasc Imaging, 2017 Feb;10:[ePub ahead of print]). Another alteration at the same codon, p.E930Q (c.2788G>C), has been detected in several individuals with HCM (Girolami F et al. J Cardiovasc Med (Hagerstown), 2006 Aug;7:601-7; Olivotto I et al. Mayo Clin Proc, 2008 Jun;83:630-8; Alfares AA et al. Genet Med, 2015 Nov;17:880-8; Walsh R et al. Genet Med, 2017 Feb;19:192-203; Ware SM et al. J Am Heart Assoc, 2021 May;10:e017731; Burstein DS et al. Pediatr Res, 2021 May;89:1470-1476; Park J et al. Hum Mol Genet, 2022 Mar;31:827-837). This variant is considered to be rare based on population cohorts in the Genome Aggregation Database (gnomAD). In addition, this alteration is predicted to be deleterious by in silico analysis. Based on the supporting evidence, this alteration is interpreted as a disease-causing mutation.

CeGaT Center for Human Genetics Tuebingen
Classification: Pathogenic. Last evaluated: 2022-07-01. Review status: criteria provided, single submitter. Criteria: CeGaT Center For Human Genetics Tuebingen Variant Classification Criteria Version 2. Collection method: clinical testing. Allele origin: germline. Affected: yes. Observed: 1 variant allele.
Comment: MYH7: PM2, PM5, PP1:Moderate, PS4:Moderate, PP2, PP4

GeneDx
Classification: Pathogenic. Last evaluated: 2018-09-24. Review status: criteria provided, single submitter. Criteria: GeneDx Variant Classification (06012015). Collection method: clinical testing. Allele origin: germline. Affected: yes.
Comment: The E930K pathogenic variant in the MYH7 gene has been previously reported in multiple individuals with HCM (Marian et al., 1995; Woo et al., 2003; Song et al., 2005; Millat et al., 2010; Zou et al., 2013; Walsh et al., 2017). It has also been shown to segregate with HCM in multiple affected relatives from multiple families, as reported by Marian et al. (1995), Song et al. (2005), a different clinical laboratory (ClinVar SCV000059477.4, Landrum et al., 2016), and observed at GeneDx. The E930K variant is a non-conservative amino acid substitution, which is likely to impact secondary protein structure as these residues differ in polarity, charge, size and/or other properties. In-silico analyses, including protein predictors and evolutionary conservation, support a deleterious effect. Moreover, likely pathogenic missense variants in nearby residues (E927K, D928N, E929K, E935K, E935V), and in the same residue (E930Q), have been reported in HGMD in association with cardiomyopathy (Stenson et al., 2014), further supporting the functional importance of this residue and region of the protein. Furthermore, the E930K variant is not observed in large population cohorts (Lek et al., 2016).

Laboratory for Molecular Medicine, Mass General Brigham Personalized Medicine
Classification: Pathogenic for Hypertrophic cardiomyopathy. Last evaluated: 2014-06-19. Review status: no assertion criteria provided. Collection method: clinical testing. Allele origin: germline. Inheritance: Autosomal dominant inheritance. Observed: 8 variant alleles. Not counted in ClinVar's aggregate classification.
Comment: The Glu930Lys variant in MYH7 has been reported in >10 individuals with HCM from 3 families and segregated with disease in 2 affected family members (Abchee 199 7, Woo 2003, Song 2005, Wang 2008). This variant was also identified by our labo ratory in 3 Caucasian individuals with HCM and segregated with disease in 5 affe cted individuals from 2 different families. Glutamic acid (Glu) at position 930 is highly conserved in mammals and across evolutionarily distant species and the change to Lysine (Lys) was predicted to be pathogenic using a computational too l clinically validated by our laboratory. This tool's pathogenic prediction is e stimated to be correct 94% of the time (Jordan 2011). In summary, this variant m eets our criteria to be classified as pathogenic based upon computational evidence, absence from controls, and segregation studi es.

Literature cited by the submitters: PubMed 9154300 (cited by Labcorp Genetics (formerly Invitae), Labcorp and Laboratory for Molecular Medicine, Mass General Brigham Personalized Medicine); PubMed 12975413 (cited by Labcorp Genetics (formerly Invitae), Labcorp and Laboratory for Molecular Medicine, Mass General Brigham Personalized Medicine); PubMed 19134269 (cited by Labcorp Genetics (formerly Invitae), Labcorp and Laboratory for Molecular Medicine, Mass General Brigham Personalized Medicine); PubMed 20800588 (cited by Labcorp Genetics (formerly Invitae), Labcorp); PubMed 27532257 (cited by Labcorp Genetics (formerly Invitae), Labcorp and Ambry Genetics); PubMed 28193612 (cited by Ambry Genetics); PubMed 28606303 (cited by Ambry Genetics); PubMed 7731997 (cited by Laboratory for Molecular Medicine, Mass General Brigham Personalized Medicine); PubMed 15563892 (cited by Laboratory for Molecular Medicine, Mass General Brigham Personalized Medicine).

NM_000257.4(MYH7):c.2788G>A (p.Glu930Lys)

Gene: MYH7 (myosin heavy chain 7; minus strand). Cytogenetic location: 14q11.2.
Variant type: single nucleotide variant.
Coding change: c.2788G>A on transcript NM_000257.4 (MANE Select); coding-DNA position 2788, G replaced by A.
Protein change: p.Glu930Lys; replaces glutamic acid 930 with lysine.
Molecular consequence: missense variant.
Genome position (GRCh38, 1-based): chr14:23,424,041, C>T on the plus strand (G>A on the coding strand, the complement: MYH7 is on the minus strand). VCF-style: chr14-23424041-C-T. GRCh37 (hg19) VCF-style: chr14-23893250-C-T.
Other names: p.E930K:GAG>AAG; short protein forms E930K.
Identifiers: ClinVar variation 42933 (VCV000042933.50), dbSNP rs397516171, ClinGen allele CA013078.